The following is an entry in ClinVar:

NM_015338.6(ASXL1):c.313A>G (p.Thr105Ala)

Gene: ASXL1 (ASXL transcriptional regulator 1; plus strand). Cytogenetic location: 20q11.21.
Variant type: single nucleotide variant.
Coding change: c.313A>G on transcript NM_015338.6 (MANE Select); coding-DNA position 313, A replaced by G.
Protein change: p.Thr105Ala; replaces threonine 105 with alanine.
Molecular consequence: missense variant.
Genome position (GRCh38, 1-based): chr20:32,428,188, A>G. VCF-style: chr20-32428188-A-G. GRCh37 (hg19) VCF-style: chr20-31015991-A-G.
Other names: c.283A>G, p.Thr95Ala (NM_001363734.1); short protein forms T105A, T95A.
Identifiers: ClinVar variation 4827435 (VCV004827435.1).

ClinVar aggregate classification (germline): Uncertain significance (1 of 4 stars; one submission).

Conditions:
Inborn genetic diseases. Identifiers: MedGen C0950123, MeSH D030342.

Submission:

Ambry Genetics
Classification: Uncertain significance for Inborn genetic diseases. Last evaluated: 2026-03-12. Review status: criteria provided, single submitter. Criteria: Ambry Variant Classification Scheme 2023. Collection method: clinical testing. Allele origin: germline.
Comment: The p.T105A variant (also known as c.313A>G), located in coding exon 5 of the ASXL1 gene, results from an A to G substitution at nucleotide position 313. The threonine at codon 105 is replaced by alanine, an amino acid with similar properties. This amino acid position is conserved. In addition, this alteration is predicted to be tolerated by in silico analysis. Based on the available evidence, the clinical significance of this variant remains unclear.